The following is an entry in ClinVar:

NM_001197104.2(KMT2A):c.163C>T (p.Pro55Ser)

Gene: KMT2A (lysine methyltransferase 2A; plus strand). Cytogenetic location: 11q23.3.
Variant type: single nucleotide variant.
Coding change: c.163C>T on transcript NM_001197104.2 (MANE Select); coding-DNA position 163, C replaced by T.
Protein change: p.Pro55Ser; replaces proline 55 with serine.
Molecular consequence: missense variant.
Genome position (GRCh38, 1-based): chr11:118,436,675, C>T. VCF-style: chr11-118436675-C-T. GRCh37 (hg19) VCF-style: chr11-118307390-C-T.
Other names: c.163C>T, p.Pro55Ser (NM_001412597.1, NM_005933.4); short protein forms P55S.
Identifiers: ClinVar variation 3672448 (VCV003672448.2).

ClinVar aggregate classification (germline): Uncertain significance (1 of 4 stars; one submission).

Submission:

Labcorp Genetics (formerly Invitae), Labcorp
Classification: Uncertain significance. Last evaluated: 2024-11-16. Review status: criteria provided, single submitter. Criteria: Invitae Variant Classification Sherloc (09022015). Collection method: clinical testing. Allele origin: germline.
Comment: This sequence change replaces proline, which is neutral and non-polar, with serine, which is neutral and polar, at codon 55 of the KMT2A protein (p.Pro55Ser). The frequency data for this variant in the population databases is considered unreliable, as metrics indicate insufficient coverage at this position in the gnomAD database. This variant has not been reported in the literature in individuals affected with KMT2A-related conditions. Invitae Evidence Modeling of protein sequence and biophysical properties (such as structural, functional, and spatial information, amino acid conservation, physicochemical variation, residue mobility, and thermodynamic stability) has been performed for this missense variant. However, the output from this modeling did not meet the statistical confidence thresholds required to predict the impact of this variant on KMT2A protein function. In summary, the available evidence is currently insufficient to determine the role of this variant in disease. Therefore, it has been classified as a Variant of Uncertain Significance.